The following is an entry in ClinVar:

NM_019109.5(ALG1):c.950G>T (p.Cys317Phe)

Gene: ALG1 (ALG1 chitobiosyldiphosphodolichol beta-mannosyltransferase; plus strand). Cytogenetic location: 16p13.3.
Variant type: single nucleotide variant.
Coding change: c.950G>T on transcript NM_019109.5 (MANE Select); coding-DNA position 950, G replaced by T.
Protein change: p.Cys317Phe; replaces cysteine 317 with phenylalanine.
Molecular consequence: missense variant.
Genome position (GRCh38, 1-based): chr16:5,079,796, G>T. VCF-style: chr16-5079796-G-T. GRCh37 (hg19) VCF-style: chr16-5129797-G-T.
Other names: c.617G>T, p.Cys206Phe (NM_001330504.2); short protein forms C206F, C317F.
Identifiers: ClinVar variation 1975069 (VCV001975069.6), dbSNP rs373396169, ClinGen allele CA7890121.
Genomic context (GRCh38, chr16:5,079,796, plus strand): 5'-TTCTAAACACAGAGTTTGAACAACTGACTCTTGATGGACACAACCTTCCTTCTCTCGTCT[G>T]TGTGATAACAGGTACTGCCTGGGACCCTGGGTGTCTGTTTGGTTGGGGGATGGCGGAGGG-3'
Protein context (NP_061982.3, residues 307-327): LDGHNLPSLV[Cys317Phe]VITGKGPLRE

ClinVar aggregate classification (germline): Uncertain significance. Review status: criteria provided, multiple submitters, no conflicts (2 of 4 stars). 2 submissions from 2 submitters: Uncertain significance (2). Last evaluated 2023-02-01.

Conditions:
ALG1-congenital disorder of glycosylation. Also called: ALG1-CDG; CDG Ik; CONGENITAL DISORDER OF GLYCOSYLATION, TYPE Ik. Identifiers: Orphanet 79327, MedGen C2931005, MONDO:0012052, OMIM 608540.

Allele frequency attached by ClinVar (database versions not stated): gnomAD 0.00001; TOPMed 0.00001; ExAC 0.00003; ESP Exome Variant Server 0.00008.
gnomAD v4.1: 5 of 1,611,770 alleles (0.00031%); highest among the groups gnomAD compares: South Asian, 0.0033%; no homozygotes.

Submissions (2):

Baylor Genetics
Classification: Uncertain significance for ALG1-congenital disorder of glycosylation. Last evaluated: 2023-02-01. Review status: criteria provided, single submitter. Criteria: ACMG Guidelines, 2015. Collection method: clinical testing. Allele origin: unknown.

Labcorp Genetics (formerly Invitae), Labcorp
Classification: Uncertain significance for ALG1-congenital disorder of glycosylation. Last evaluated: 2022-03-23. Review status: criteria provided, single submitter. Criteria: Invitae Variant Classification Sherloc (09022015). Collection method: clinical testing. Allele origin: germline.
Comment: In summary, the available evidence is currently insufficient to determine the role of this variant in disease. Therefore, it has been classified as a Variant of Uncertain Significance. This variant is present in population databases (rs373396169, gnomAD 0.006%). This sequence change replaces cysteine, which is neutral and slightly polar, with phenylalanine, which is neutral and non-polar, at codon 317 of the ALG1 protein (p.Cys317Phe). This variant has not been reported in the literature in individuals affected with ALG1-related conditions. Advanced modeling of protein sequence and biophysical properties (such as structural, functional, and spatial information, amino acid conservation, physicochemical variation, residue mobility, and thermodynamic stability) performed at Invitae indicates that this missense variant is expected to disrupt ALG1 protein function.